The following is an entry in ClinVar:

ClinVar aggregate classification (germline): Uncertain significance (1 of 4 stars; one submission).

Conditions:
Cholestanol storage disease (CTX). Also called: CEREBRAL CHOLESTERINOSIS; Cerebrotendinous Xanthomatosis; CTX: Cerebrotendinous xanthomatosis. Identifiers: Orphanet 909, MedGen C0238052, MONDO:0008948, OMIM 213700.

Submission:

Labcorp Genetics (formerly Invitae), Labcorp
Classification: Uncertain significance for Cholestanol storage disease. Last evaluated: 2024-01-04. Review status: criteria provided, single submitter. Criteria: Invitae Variant Classification Sherloc (09022015). Collection method: clinical testing. Allele origin: germline.
Comment: This sequence change replaces valine, which is neutral and non-polar, with leucine, which is neutral and non-polar, at codon 425 of the CYP27A1 protein (p.Val425Leu). This variant is not present in population databases (gnomAD no frequency). This variant has not been reported in the literature in individuals affected with CYP27A1-related conditions. Advanced modeling of protein sequence and biophysical properties (such as structural, functional, and spatial information, amino acid conservation, physicochemical variation, residue mobility, and thermodynamic stability) performed at Invitae indicates that this missense variant is not expected to disrupt CYP27A1 protein function with a negative predictive value of 95%. In summary, the available evidence is currently insufficient to determine the role of this variant in disease. Therefore, it has been classified as a Variant of Uncertain Significance.

NM_000784.4(CYP27A1):c.1273G>T (p.Val425Leu)

Gene: CYP27A1 (cytochrome P450 family 27 subfamily A member 1; plus strand). Cytogenetic location: 2q35.
Variant type: single nucleotide variant.
Coding change: c.1273G>T on transcript NM_000784.4 (MANE Select); coding-DNA position 1273, G replaced by T.
Protein change: p.Val425Leu; replaces valine 425 with leucine.
Molecular consequence: missense variant.
Genome position (GRCh38, 1-based): chr2:218,814,554, G>T. VCF-style: chr2-218814554-G-T. GRCh37 (hg19) VCF-style: chr2-219679277-G-T.
Other names: short protein forms V425L.
Identifiers: ClinVar variation 2707370 (VCV002707370.3), dbSNP rs757381848, ClinGen allele CA350593782.